The following is an entry in ClinVar:

NM_001394998.1(TANC2):c.5233C>T (p.Gln1745Ter)

Gene: TANC2 (tetratricopeptide repeat, ankyrin repeat and coiled-coil containing 2; plus strand). Cytogenetic location: 17q23.3.
Variant type: single nucleotide variant.
Coding change: c.5233C>T on transcript NM_001394998.1 (MANE Select); coding-DNA position 5233, C replaced by T.
Protein change: p.Gln1745Ter; replaces glutamine 1745 with a stop codon.
Molecular consequence: nonsense.
Genome position (GRCh38, 1-based): chr17:63,420,963, C>T. VCF-style: chr17-63420963-C-T. GRCh37 (hg19) VCF-style: chr17-61498324-C-T.
Other names: c.5011C>T, p.Gln1671Ter (NM_001411076.1); c.4981C>T, p.Gln1661Ter (NM_025185.4); short protein forms Q1745*, Q1661*, Q1671*.
Identifiers: ClinVar variation 3173744 (VCV003173744.1), dbSNP rs866345446, ClinGen allele CA292877941.

ClinVar aggregate classification (germline): Likely pathogenic (1 of 4 stars; one submission).

Conditions:
Inborn genetic diseases. Identifiers: MedGen C0950123, MeSH D030342.

Submission:

Ambry Genetics
Classification: Likely pathogenic for Inborn genetic diseases. Last evaluated: 2024-01-09. Review status: criteria provided, single submitter. Criteria: Ambry Variant Classification Scheme 2023. Collection method: clinical testing. Allele origin: germline.
Comment: The c.4981C>T (p.Q1661*) alteration, located in exon 25 (coding exon 25) of the TANC2 gene, consists of a C to T substitution at nucleotide position 4981. This changes the amino acid from a glutamine (Q) to a stop codon at amino acid position 1661. This alteration occurs at the 3' terminus of the TANC2 gene, is not expected to trigger nonsense-mediated mRNA decay, and only impacts the last 16% of the protein. However, premature stop codons are typically deleterious in nature and a significant portion of the protein is affected (Ambry internal data). This variant was not reported in population-based cohorts in the Genome Aggregation Database (gnomAD). Based on the available evidence, this alteration is classified as likely pathogenic.